The following is an entry in ClinVar:

ClinVar aggregate classification (germline): Uncertain significance (1 of 4 stars; one submission).

Conditions:
Inborn genetic diseases. Identifiers: MedGen C0950123, MeSH D030342.

Submission:

Ambry Genetics
Classification: Uncertain significance for Inborn genetic diseases. Last evaluated: 2025-01-17. Review status: criteria provided, single submitter. Criteria: Ambry Variant Classification Scheme 2023. Collection method: clinical testing. Allele origin: germline.
Comment: The p.F996S variant (also known as c.2987T>C), located in coding exon 23 of the BUB1B gene, results from a T to C substitution at nucleotide position 2987. The phenylalanine at codon 996 is replaced by serine, an amino acid with highly dissimilar properties. This amino acid position is conserved. In addition, the in silico prediction for this alteration is inconclusive. Based on the available evidence, the clinical significance of this variant remains unclear.

NM_001211.6(BUB1B):c.2987T>C (p.Phe996Ser)

Genes: BUB1B (BUB1 mitotic checkpoint serine/threonine kinase B; plus strand), BUB1B-PAK6 (BUB1B-PAK6 readthrough; plus strand). Cytogenetic location: 15q15.1.
Variant type: single nucleotide variant.
Coding change: c.2987T>C on transcript NM_001211.6 (MANE Select); coding-DNA position 2987, T replaced by C.
Protein change: p.Phe996Ser; replaces phenylalanine 996 with serine.
Molecular consequence: missense variant. On other transcripts: intron variant (2).
Genome position (GRCh38, 1-based): chr15:40,220,593, T>C. VCF-style: chr15-40220593-T-C. GRCh37 (hg19) VCF-style: chr15-40512794-T-C.
Other names: c.-201+2926T>C (NM_001128628.3); c.-118+2926T>C (NM_001128629.3); short protein forms F996S.
Identifiers: ClinVar variation 3826098 (VCV003826098.1).
Genomic context (GRCh38, chr15:40,220,593, plus strand): 5'-TCTTGATGGAAATGGTTTTATATATTTTTAGGCTAAAAGATGGTGAATTGTGGAATAAAT[T>C]CTTTGTGCGGATTCTGAATGCCAATGATGAGGCCACAGTGTCTGTTCTTGGGGAGCTTGC-3'
Protein context (NP_001202.5, residues 986-1006): ELKDGELWNK[Phe996Ser]FVRILNANDE